The following is an entry in ClinVar:

ClinVar aggregate classification (germline): Conflicting classifications of pathogenicity. Review status: criteria provided, conflicting classifications (1 of 4 stars). 5 submissions from 5 submitters: Uncertain significance (4); Likely benign (1). Last evaluated 2026-01-26.

Conditions:
Facial dysmorphism-immunodeficiency-livedo-short stature syndrome. Also called: Facial dysmorphism, immunodeficiency, livedo, and short stature; FILS syndrome. Identifiers: Orphanet 352712, MedGen C3554576, MONDO:0014058, OMIM 615139.
Hereditary cancer-predisposing syndrome. Also called: Hereditary Cancer Syndrome; Hereditary neoplastic syndrome; Neoplastic Syndromes, Hereditary; Tumor predisposition. Identifiers: Orphanet 140162, MedGen C0027672, MeSH D009386, MONDO:0015356.

Allele frequency attached by ClinVar (database versions not stated): ExAC 0.00001; gnomAD exomes 0.00002; TOPMed 0.00002; gnomAD 0.00003 and 0.00004.
gnomAD v4.1: 44 of 1,613,072 alleles (0.0027%); highest among the groups gnomAD compares: East Asian, 0.0067%; no homozygotes.

Submissions (5):

Labcorp Genetics (formerly Invitae), Labcorp
Classification: Uncertain significance. Last evaluated: 2026-01-26. Review status: criteria provided, single submitter. Criteria: Invitae Variant Classification Sherloc (09022015). Collection method: clinical testing. Allele origin: germline.
Comment: This sequence change replaces alanine, which is neutral and non-polar, with valine, which is neutral and non-polar, at codon 2192 of the POLE protein (p.Ala2192Val). This variant is present in population databases (rs756301031, gnomAD 0.005%). This variant has not been reported in the literature in individuals affected with POLE-related conditions. ClinVar contains an entry for this variant (Variation ID: 405847). Invitae Evidence Modeling of protein sequence and biophysical properties (such as structural, functional, and spatial information, amino acid conservation, physicochemical variation, residue mobility, and thermodynamic stability) indicates that this missense variant is not expected to disrupt POLE protein function with a negative predictive value of 80%. RNA analysis performed to evaluate the impact of this missense change on mRNA splicing indicates it does not significantly alter splicing (internal data). In summary, the available evidence is currently insufficient to determine the role of this variant in disease. Therefore, it has been classified as a Variant of Uncertain Significance.

GeneDx
Classification: Uncertain significance. Last evaluated: 2024-05-31. Review status: criteria provided, single submitter. Criteria: GeneDx Variant Classification Process June 2021. Collection method: clinical testing. Allele origin: germline. Affected: yes.
Comment: In silico analysis indicates that this missense variant does not alter protein structure/function; In silico analysis suggests this variant may impact gene splicing. In the absence of RNA/functional studies, the actual effect of this sequence change is unknown.; Has not been previously published as pathogenic or benign to our knowledge; This variant is associated with the following publications: (PMID: 29056344, 19296856)

Ambry Genetics
Classification: Likely benign for Hereditary cancer-predisposing syndrome. Last evaluated: 2022-09-24. Review status: criteria provided, single submitter. Criteria: Ambry Variant Classification Scheme 2023. Collection method: clinical testing. Allele origin: germline.

Baylor Genetics
Classification: Uncertain significance for Facial dysmorphism-immunodeficiency-livedo-short stature syndrome. Last evaluated: 2021-04-29. Review status: criteria provided, single submitter. Criteria: ACMG Guidelines, 2015. Collection method: clinical testing. Allele origin: unknown. Affected: yes. Study: CSER-TexasKidsCanSeq.
Comment: This variant was determined to be of uncertain significance according to ACMG Guidelines, 2015 [PMID:25741868].

PreventionGenetics, part of Exact Sciences
Classification: Uncertain significance. Last evaluated: 2017-10-25. Review status: criteria provided, single submitter. Criteria: ACMG Guidelines, 2015. Collection method: clinical testing. Allele origin: germline.

NM_006231.4(POLE):c.6575C>T (p.Ala2192Val)

Gene: POLE (DNA polymerase epsilon, catalytic subunit; minus strand). Cytogenetic location: 12q24.33.
Variant type: single nucleotide variant.
Coding change: c.6575C>T on transcript NM_006231.4 (MANE Select); coding-DNA position 6575, C replaced by T.
Protein change: p.Ala2192Val; replaces alanine 2192 with valine.
Molecular consequence: missense variant.
Genome position (GRCh38, 1-based): chr12:132,625,727, G>A on the plus strand (C>T on the coding strand, the complement: POLE is on the minus strand). VCF-style: chr12-132625727-G-A. GRCh37 (hg19) VCF-style: chr12-133202313-G-A.
Other names: short protein forms A2192V.
Identifiers: ClinVar variation 405847 (VCV000405847.16), dbSNP rs756301031, ClinGen allele CA6892126.